The following is an entry in ClinVar:

ClinVar aggregate classification (germline): Conflicting classifications of pathogenicity. Review status: criteria provided, conflicting classifications (1 of 4 stars). 5 submissions from 5 submitters: Uncertain significance (2); Likely benign (3). Last evaluated 2026-01-19.

Conditions:
Familial thoracic aortic aneurysm and aortic dissection (TAAD). Also called: Thoracic aortic aneurysms and dissections. Identifiers: Orphanet 91387, MedGen C4707243, MONDO:0019625.
Aortic aneurysm, familial thoracic 7 (AAT7). Also called: AORTIC DISSECTION, FAMILIAL, WITH OR WITHOUT AORTIC ANEURYSM. Identifiers: MedGen C3151077, MONDO:0013418, OMIM 613780.

Allele frequency attached by ClinVar (database versions not stated): gnomAD 0.00001; gnomAD exomes 0.00002 and 0.00006; TOPMed 0.00002; ExAC 0.00008.
gnomAD v4.1: 32 of 1,613,922 alleles (0.002%); highest among the groups gnomAD compares: East Asian, 0.029%; no homozygotes.

Submissions (5):

Labcorp Genetics (formerly Invitae), Labcorp
Classification: Likely benign for Aortic aneurysm, familial thoracic 7. Last evaluated: 2026-01-19. Review status: criteria provided, single submitter. Criteria: Invitae Variant Classification Sherloc (09022015). Collection method: clinical testing. Allele origin: germline.

GeneDx
Classification: Uncertain significance. Last evaluated: 2025-10-15. Review status: criteria provided, single submitter. Criteria: GeneDx Variant Classification Process June 2021. Collection method: clinical testing. Allele origin: germline. Affected: yes.
Comment: Has not been previously published as pathogenic or benign to our knowledge; In silico analysis suggests that this missense variant does not alter protein structure/function

Ambry Genetics
Classification: Uncertain significance for Familial thoracic aortic aneurysm and aortic dissection. Last evaluated: 2024-01-17. Review status: criteria provided, single submitter. Criteria: Ambry Variant Classification Scheme 2023. Collection method: clinical testing. Allele origin: germline.

Blueprint Genetics
Classification: Likely benign. Last evaluated: 2022-11-01. Review status: criteria provided, single submitter. Criteria: ACMG Guidelines, 2015. Collection method: clinical testing. Allele origin: germline.

Women's Health and Genetics/Laboratory Corporation of America, LabCorp
Classification: Likely benign. Last evaluated: 2020-07-13. Review status: criteria provided, single submitter. Criteria: LabCorp Variant Classification Summary - May 2015. Collection method: clinical testing. Allele origin: germline.
Comment: Variant summary: MYLK c.4700G>A (p.Arg1567Gln) results in a conservative amino acid change located in the Protein kinase domain (IPR000719) of the encoded protein sequence. Five of five in-silico tools predict a benign effect of the variant on protein function. The variant allele was found at a frequency of 6e-05 in 251472 control chromosomes, predominantly at a frequency of 0.0006 within the East Asian subpopulation in the gnomAD database. The observed variant frequency within East Asian control individuals in the gnomAD database is approximately 240 fold of the estimated maximal expected allele frequency for a pathogenic variant in MYLK causing Aortopathy phenotype (2.5e-06), strongly suggesting that the variant is a benign polymorphism found primarily in populations of East Asian origin. To our knowledge, no occurrence of c.4700G>A in individuals affected with Aortopathy and no experimental evidence demonstrating its impact on protein function have been reported. No clinical diagnostic laboratories have submitted clinical-significance assessments for this variant to ClinVar after 2014. Based on the evidence outlined above, the variant was classified as likely benign.

NM_053025.4(MYLK):c.4700G>A (p.Arg1567Gln)

Gene: MYLK (myosin light chain kinase; minus strand). Cytogenetic location: 3q21.1.
Variant type: single nucleotide variant.
Coding change: c.4700G>A on transcript NM_053025.4 (MANE Select); coding-DNA position 4700, G replaced by A.
Protein change: p.Arg1567Gln; replaces arginine 1567 with glutamine.
Molecular consequence: missense variant.
Genome position (GRCh38, 1-based): chr3:123,640,424, C>T on the plus strand (G>A on the coding strand, the complement: MYLK is on the minus strand). VCF-style: chr3-123640424-C-T. GRCh37 (hg19) VCF-style: chr3-123359271-C-T.
Other names: c.4172G>A, p.Arg1391Gln (NM_001321309.2); c.4493G>A, p.Arg1498Gln (NM_053026.4, NM_053028.4); c.4700G>A, p.Arg1567Gln (NM_053027.4); short protein forms R1391Q, R1498Q, R1567Q.
Identifiers: ClinVar variation 974955 (VCV000974955.13), dbSNP rs757766496, ClinGen allele CA071992.